The following is an entry in ClinVar:

ClinVar aggregate classification (germline): Conflicting classifications of pathogenicity. Review status: criteria provided, conflicting classifications (1 of 4 stars). 3 submissions from 3 submitters: Uncertain significance (2); Likely benign (1). Last evaluated 2026-09-18.

Conditions:
COL13A1-related disorder. Also called: COL13A1-related condition.

Allele frequency attached by ClinVar (database versions not stated): gnomAD exomes 0.00013 and 0.00061; 1000 Genomes Project 30x 0.00031; ExAC 0.00034; 1000 Genomes Project 0.00040; gnomAD 0.00063 and 0.00064; TOPMed 0.00074.
gnomAD v4.1: 287 of 1,614,008 alleles (0.018%); highest among the groups gnomAD compares: Admixed American, 0.45%; 1 homozygote.

Submissions (3):

PreventionGenetics, part of Exact Sciences
Classification: Uncertain significance for COL13A1-related condition. Last evaluated: 2026-09-18. Review status: criteria provided, single submitter. Criteria: ACMG Guidelines, 2015. Collection method: clinical testing. Allele origin: germline.
Comment: The COL13A1 c.603+2T>C variant is predicted to disrupt the GT donor site and interfere with normal splicing. To our knowledge, this variant has not been reported in the literature. This variant is reported in 0.42% of alleles in individuals of Latino descent in gnomAD and has conflicting classifications listed in ClinVar ranging from likely benign to uncertain (Variation ID: 717621). Although we suspect that this variant may be benign, at this time, the clinical significance of this variant is uncertain due to the absence of conclusive functional and genetic evidence.

Labcorp Genetics (formerly Invitae), Labcorp
Classification: Likely benign. Last evaluated: 2025-12-19. Review status: criteria provided, single submitter. Criteria: Invitae Variant Classification Sherloc (09022015). Collection method: clinical testing. Allele origin: germline.

GeneDx
Classification: Uncertain significance. Last evaluated: 2024-02-20. Review status: criteria provided, single submitter. Criteria: GeneDx Variant Classification Process June 2021. Collection method: clinical testing. Allele origin: germline. Affected: yes.
Comment: Canonical splice site variant predicted to result in an in-frame loss of the adjacent exon in a gene for which loss of function is a known mechanism of disease; Has not been previously published as pathogenic or benign to our knowledge

NM_001368882.1(COL13A1):c.630+2T>C

Gene: COL13A1 (collagen type XIII alpha 1 chain; plus strand). Cytogenetic location: 10q22.1.
Variant type: single nucleotide variant.
Coding change: c.630+2T>C on transcript NM_001368882.1 (MANE Select); the canonical splice donor site of the intron after coding-DNA position 630, T replaced by C.
Molecular consequence: splice donor variant.
Genome position (GRCh38, 1-based): chr10:69,894,580, T>C. VCF-style: chr10-69894580-T-C. GRCh37 (hg19) VCF-style: chr10-71654336-T-C.
Other names: c.630+2T>C (NM_001320951.2, NM_001368884.1); c.603+2T>C (NM_001130103.2, NM_080801.4, NM_080802.4 and 1 more transcripts); c.30+2T>C (NM_001368886.1); c.594+2T>C (NM_001368883.1, NM_001368885.1); c.516+2T>C (NM_080805.4, NM_001368897.1); c.540+2T>C (NM_001368895.1); c.489+2T>C (NM_001368898.1, NM_080798.4, NM_001368896.1).
Identifiers: ClinVar variation 717621 (VCV000717621.18), dbSNP rs546473709, ClinGen allele CA5534316.